The following is an entry in ClinVar:

ClinVar aggregate classification (germline): Likely benign (1 of 4 stars; one submission).

Submission:

CeGaT Center for Human Genetics Tuebingen
Classification: Likely benign. Last evaluated: 2023-04-01. Review status: criteria provided, single submitter. Criteria: CeGaT Center For Human Genetics Tuebingen Variant Classification Criteria Version 2. Collection method: clinical testing. Allele origin: germline. Affected: yes. Observed: 1 variant allele.
Comment: STEAP3: BP4, BP7

NM_182915.3(STEAP3):c.1479G>A (p.Glu493=)

Gene: STEAP3 (STEAP3 metalloreductase; plus strand). Cytogenetic location: 2q14.2.
Variant type: single nucleotide variant.
Coding change: c.1479G>A on transcript NM_182915.3 (MANE Select); coding-DNA position 1479, G replaced by A.
Protein change: p.Glu493=; no amino-acid change (glutamic acid 493 retained).
Molecular consequence: synonymous variant. On other transcripts: 3 prime UTR variant (1).
Genome position (GRCh38, 1-based): chr2:119,263,320, G>A. VCF-style: chr2-119263320-G-A. GRCh37 (hg19) VCF-style: chr2-120020896-G-A.
Other names: c.1449G>A, p.Glu483= (NM_001008410.2, NM_018234.3); c.*307G>A (NM_138637.3).
Identifiers: ClinVar variation 2651303 (VCV002651303.24), dbSNP rs1360133961, ClinGen allele CA428558486.